The following is an entry in ClinVar:

ClinVar aggregate classification (germline): Uncertain significance. Review status: criteria provided, multiple submitters, no conflicts (2 of 4 stars). 4 submissions from 4 submitters: Uncertain significance (3). 1 of the submissions does not count toward it. Last evaluated 2025-11-25.

Conditions:
Cohen syndrome (COH1). Also called: PEPPER SYNDROME; Cutis verticis gyrata, retinitis pigmentosa, and sensorineural deafness. Identifiers: Orphanet 193, MedGen C0265223, MONDO:0008999, OMIM 216550.
VPS13B-related disorder. Also called: VPS13B-related condition.

Allele frequency attached by ClinVar (database versions not stated): TOPMed 0.00006; ExAC 0.00003; gnomAD 0.00003; gnomAD exomes 0.00004.
gnomAD v4.1: 47 of 1,612,308 alleles (0.0029%); highest among the groups gnomAD compares: South Asian, 0.0033%; no homozygotes.

Submissions (4):

PreventionGenetics, part of Exact Sciences
Classification: Uncertain significance for VPS13B-related condition. Last evaluated: 2025-11-25. Review status: criteria provided, single submitter. Criteria: ACMG Guidelines, 2015. Collection method: clinical testing. Allele origin: germline.
Comment: The VPS13B c.4772G>A variant is predicted to result in the amino acid substitution p.Arg1591Gln. To our knowledge, this variant has not been reported in the literature. This variant is reported in 0.0062% of alleles in individuals of European (Non-Finnish) descent in gnomAD. At this time, the clinical significance of this variant is uncertain due to the absence of conclusive functional and genetic evidence.

Labcorp Genetics (formerly Invitae), Labcorp
Classification: Uncertain significance for Cohen syndrome. Last evaluated: 2024-10-22. Review status: criteria provided, single submitter. Criteria: Invitae Variant Classification Sherloc (09022015). Collection method: clinical testing. Allele origin: germline.
Comment: This sequence change replaces arginine, which is basic and polar, with glutamine, which is neutral and polar, at codon 1616 of the VPS13B protein (p.Arg1616Gln). This variant is present in population databases (rs754267693, gnomAD 0.008%). This variant has not been reported in the literature in individuals affected with VPS13B-related conditions. ClinVar contains an entry for this variant (Variation ID: 528840). Invitae Evidence Modeling of protein sequence and biophysical properties (such as structural, functional, and spatial information, amino acid conservation, physicochemical variation, residue mobility, and thermodynamic stability) has been performed for this missense variant. However, the output from this modeling did not meet the statistical confidence thresholds required to predict the impact of this variant on VPS13B protein function. In summary, the available evidence is currently insufficient to determine the role of this variant in disease. Therefore, it has been classified as a Variant of Uncertain Significance.

Blueprint Genetics
Classification: Uncertain significance. Last evaluated: 2024-06-21. Review status: criteria provided, single submitter. Criteria: ACMG Guidelines, 2015. Collection method: clinical testing. Allele origin: germline.

Natera, Inc.
Classification: Uncertain significance for Cohen syndrome. Last evaluated: 2019-11-11. Review status: no assertion criteria provided. Collection method: clinical testing. Allele origin: germline. Not counted in ClinVar's aggregate classification.

NM_152564.5(VPS13B):c.4772G>A (p.Arg1591Gln)

Gene: VPS13B (vacuolar protein sorting 13 homolog B; plus strand). Cytogenetic location: 8q22.2.
Variant type: single nucleotide variant.
Coding change: c.4772G>A on transcript NM_152564.5 (MANE Select); coding-DNA position 4772, G replaced by A.
Protein change: p.Arg1591Gln; replaces arginine 1591 with glutamine.
Molecular consequence: missense variant.
Genome position (GRCh38, 1-based): chr8:99,556,476, G>A. VCF-style: chr8-99556476-G-A. GRCh37 (hg19) VCF-style: chr8-100568704-G-A.
Other names: c.4847G>A, p.Arg1616Gln (NM_017890.5); c.4772G>A (NM_152564.4); short protein forms R1616Q, R1591Q.
Identifiers: ClinVar variation 528840 (VCV000528840.11), dbSNP rs754267693, ClinGen allele CA4823662.